The following is an entry in ClinVar:

NM_024652.6(LRRK1):c.1325A>T (p.Asp442Val)

Gene: LRRK1 (leucine rich repeat kinase 1; plus strand). Cytogenetic location: 15q26.3.
Variant type: single nucleotide variant.
Coding change: c.1325A>T on transcript NM_024652.6 (MANE Select); coding-DNA position 1325, A replaced by T.
Protein change: p.Asp442Val; replaces aspartic acid 442 with valine.
Molecular consequence: missense variant.
Genome position (GRCh38, 1-based): chr15:101,012,051, A>T. VCF-style: chr15-101012051-A-T. GRCh37 (hg19) VCF-style: chr15-101552256-A-T.
Other names: c.1325A>T (NM_024652.3); short protein forms D442V.
Identifiers: ClinVar variation 1493913 (VCV001493913.4), dbSNP rs1015865458, ClinGen allele CA275617938.

ClinVar aggregate classification (germline): Uncertain significance. Review status: criteria provided, multiple submitters, no conflicts (2 of 4 stars). 2 submissions from 2 submitters: Uncertain significance (2). Last evaluated 2024-05-09.

Conditions:
Inborn genetic diseases. Identifiers: MedGen C0950123, MeSH D030342.

Allele frequency attached by ClinVar (database versions not stated): gnomAD exomes below 0.00001; gnomAD 0.00001; TOPMed 0.00004.
gnomAD v4.1: 3 of 1,611,286 alleles (0.00019%); highest among the groups gnomAD compares: Admixed American, 0.005%; no homozygotes.

Submissions (2):

Ambry Genetics
Classification: Uncertain significance for Inborn genetic diseases. Last evaluated: 2024-05-09. Review status: criteria provided, single submitter. Criteria: Ambry Variant Classification Scheme 2023. Collection method: clinical testing. Allele origin: germline.

Labcorp Genetics (formerly Invitae), Labcorp
Classification: Uncertain significance. Last evaluated: 2021-08-19. Review status: criteria provided, single submitter. Criteria: Invitae Variant Classification Sherloc (09022015). Collection method: clinical testing. Allele origin: germline.
Comment: This sequence change replaces aspartic acid with valine at codon 442 of the LRRK1 protein (p.Asp442Val). The aspartic acid residue is weakly conserved and there is a large physicochemical difference between aspartic acid and valine. This variant is not present in population databases (ExAC no frequency). This variant has not been reported in the literature in individuals affected with LRRK1-related conditions. Algorithms developed to predict the effect of missense changes on protein structure and function (SIFT, PolyPhen-2, Align-GVGD) all suggest that this variant is likely to be tolerated. In summary, the available evidence is currently insufficient to determine the role of this variant in disease. Therefore, it has been classified as a Variant of Uncertain Significance.